The following is an entry in ClinVar:

ClinVar aggregate classification (germline): Uncertain significance. Review status: criteria provided, multiple submitters, no conflicts (2 of 4 stars). 3 submissions from 3 submitters: Uncertain significance (3). Last evaluated 2025-01-08.

Conditions:
VPS13A-related neurodegenerative disease. Also called: Choreoacanthocytosis; Chorea-acanthocytosis; LEVINE-CRITCHLEY SYNDROME; Choreaacanthocytosis; ACANTHOCYTOSIS WITH NEUROLOGIC DISORDER; VPS13A Disease. Identifiers: Orphanet 2388, MedGen C0393576, MONDO:0008695, OMIM 200150.

Allele frequency attached by ClinVar (database versions not stated): gnomAD exomes 0.00004 and 0.00005; ExAC 0.00005; TOPMed 0.00005; gnomAD 0.00006.
gnomAD v4.1: 78 of 1,613,758 alleles (0.0048%); highest among the groups gnomAD compares: Non-Finnish European, 0.0063%; 1 homozygote.

Submissions (3):

GeneDx
Classification: Uncertain significance. Last evaluated: 2025-01-08. Review status: criteria provided, single submitter. Criteria: GeneDx Variant Classification Process June 2021. Collection method: clinical testing. Allele origin: germline. Affected: yes.
Comment: Not observed at significant frequency in large population cohorts (gnomAD); In silico analysis indicates that this missense variant does not alter protein structure/function; Has not been previously published as pathogenic or benign to our knowledge

Labcorp Genetics (formerly Invitae), Labcorp
Classification: Uncertain significance. Last evaluated: 2024-10-24. Review status: criteria provided, single submitter. Criteria: Invitae Variant Classification Sherloc (09022015). Collection method: clinical testing. Allele origin: germline.
Comment: This sequence change replaces lysine, which is basic and polar, with arginine, which is basic and polar, at codon 2572 of the VPS13A protein (p.Lys2572Arg). This variant is present in population databases (rs202148808, gnomAD 0.008%). This variant has not been reported in the literature in individuals affected with VPS13A-related conditions. ClinVar contains an entry for this variant (Variation ID: 367415). Invitae Evidence Modeling of protein sequence and biophysical properties (such as structural, functional, and spatial information, amino acid conservation, physicochemical variation, residue mobility, and thermodynamic stability) has been performed for this missense variant. However, the output from this modeling did not meet the statistical confidence thresholds required to predict the impact of this variant on VPS13A protein function. Algorithms developed to predict the effect of sequence changes on RNA splicing suggest that this variant may disrupt the consensus splice site. In summary, the available evidence is currently insufficient to determine the role of this variant in disease. Therefore, it has been classified as a Variant of Uncertain Significance.

Illumina Laboratory Services, Illumina
Classification: Uncertain significance for VPS13A-related neurodegenerative disease. Last evaluated: 2018-01-12. Review status: criteria provided, single submitter. Criteria: ICSL Variant Classification Criteria 13 December 2019. Collection method: clinical testing. Allele origin: germline.

NM_033305.3(VPS13A):c.7715A>G (p.Lys2572Arg)

Gene: VPS13A (vacuolar protein sorting 13 homolog A; plus strand). Cytogenetic location: 9q21.2.
Variant type: single nucleotide variant.
Coding change: c.7715A>G on transcript NM_033305.3 (MANE Select); coding-DNA position 7715, A replaced by G.
Protein change: p.Lys2572Arg; replaces lysine 2572 with arginine.
Molecular consequence: missense variant.
Genome position (GRCh38, 1-based): chr9:77,356,776, A>G. VCF-style: chr9-77356776-A-G. GRCh37 (hg19) VCF-style: chr9-79971692-A-G.
Other names: c.7598A>G, p.Lys2533Arg (NM_001018037.2); c.7715A>G, p.Lys2572Arg (NM_001018038.3, NM_015186.4); short protein forms K2572R, K2533R.
Identifiers: ClinVar variation 367415 (VCV000367415.8), dbSNP rs202148808, ClinGen allele CA5093408.